The following is an entry in ClinVar:

NM_014727.3(KMT2B):c.5008A>G (p.Ser1670Gly)

Gene: KMT2B (lysine methyltransferase 2B; plus strand). Cytogenetic location: 19q13.12.
Variant type: single nucleotide variant.
Coding change: c.5008A>G on transcript NM_014727.3 (MANE Select); coding-DNA position 5008, A replaced by G.
Protein change: p.Ser1670Gly; replaces serine 1670 with glycine.
Molecular consequence: missense variant.
Genome position (GRCh38, 1-based): chr19:35,730,057, A>G. VCF-style: chr19-35730057-A-G. GRCh37 (hg19) VCF-style: chr19-36220958-A-G.
Other names: short protein forms S1670G.
Identifiers: ClinVar variation 2629368 (VCV002629368.3), dbSNP rs749762628, ClinGen allele CA9385271.

ClinVar aggregate classification (germline): Conflicting classifications of pathogenicity. Review status: criteria provided, conflicting classifications (1 of 4 stars). 2 submissions from 2 submitters: Uncertain significance (1); Likely benign (1). Last evaluated 2024-03-24.

Conditions:
KMT2B-related disorder. Also called: KMT2B-related condition; KMT2B-related disorders. Identifiers: MedGen CN381338.

Allele frequency attached by ClinVar (database versions not stated): ExAC 0.00001; gnomAD 0.00001; gnomAD exomes 0.00001; TOPMed 0.00001.

Submissions (2):

Labcorp Genetics (formerly Invitae), Labcorp
Classification: Likely benign. Last evaluated: 2024-03-24. Review status: criteria provided, single submitter. Criteria: Invitae Variant Classification Sherloc (09022015). Collection method: clinical testing. Allele origin: germline.

PreventionGenetics, part of Exact Sciences
Classification: Uncertain significance for KMT2B-related condition. Last evaluated: 2023-07-02. Review status: criteria provided, single submitter. Criteria: ACMG Guidelines, 2015. Collection method: clinical testing. Allele origin: germline.
Comment: The KMT2B c.5008A>G variant is predicted to result in the amino acid substitution p.Ser1670Gly. To our knowledge, this variant has not been reported in the literature. This variant is reported in 0.00089% of alleles in individuals of European (Non-Finnish) descent in gnomAD. At this time, the clinical significance of this variant is uncertain due to the absence of conclusive functional and genetic evidence.